The following is an entry in ClinVar:

ClinVar aggregate classification (germline): Likely benign. Review status: criteria provided, multiple submitters, no conflicts (2 of 4 stars). 2 submissions from 2 submitters: Likely benign (2). Last evaluated 2024-09-26.

Conditions:
Long QT syndrome (LQTS). Identifiers: MedGen C0023976, MeSH D008133, MONDO:0002442. Disease mechanism: loss of function. Inheritance: Various modes of inheritance.

Allele frequency attached by ClinVar (database versions not stated): gnomAD exomes 0.00001; gnomAD 0.00001; TOPMed 0.00002.

Submissions (2):

Labcorp Genetics (formerly Invitae), Labcorp
Classification: Likely benign for Long QT syndrome. Last evaluated: 2024-09-26. Review status: criteria provided, single submitter. Criteria: Invitae Variant Classification Sherloc (09022015). Collection method: clinical testing. Allele origin: germline.

GeneDx
Classification: Likely benign. Last evaluated: 2018-04-19. Review status: criteria provided, single submitter. Criteria: GeneDx Variant Classification (06012015). Collection method: clinical testing. Allele origin: germline. Affected: yes.
Comment: This variant is considered likely benign or benign based on one or more of the following criteria: it is a conservative change, it occurs at a poorly conserved position in the protein, it is predicted to be benign by multiple in silico algorithms, and/or has population frequency not consistent with disease.

NM_001148.6(ANK2):c.4248+6dup

Gene: ANK2 (ankyrin 2; plus strand). Cytogenetic location: 4q26.
Variant type: Duplication.
Coding change: c.4248+6dup on transcript NM_001148.6 (MANE Select); 6 bases into the intron after coding-DNA position 4248, one base duplicated (A; older notation c.4248+6dupA).
Molecular consequence: intron variant.
Genome position (GRCh38, 1-based): chr4:113,343,148, A duplicated. VCF-style (leftmost placement, unchanged base first): chr4-113343147-T-TA. GRCh37 (hg19) VCF-style: chr4-114264303-T-TA.
Other names: c.4233+6dup (NM_001386186.2, NM_001386148.2); c.4035+6dup (NM_001354269.3); c.4113+6dup (NM_001386187.2); c.4107+6dup (NM_001386147.1, NM_001354261.2); c.4092+6dup (NM_001386160.1); c.4197+6dup (NM_001354254.2); c.4218+6dup (NM_001354239.2, NM_001354252.2); c.4119+6dup (NM_001354272.2); and 31 more.
Identifiers: ClinVar variation 677033 (VCV000677033.8), dbSNP rs1205810294, ClinGen allele CA554055667.